The following is an entry in ClinVar:

ClinVar aggregate classification (germline): Likely benign. Review status: criteria provided, multiple submitters, no conflicts (2 of 4 stars). 3 submissions from 3 submitters: Likely benign (3). Last evaluated 2025-12-26.

Conditions:
Mowat-Wilson syndrome (MOWS). Also called: Classic Mowat-Wilson Syndrome. Identifiers: Orphanet 2152, MedGen C1856113, MONDO:0009341, OMIM 235730.

Allele frequency attached by ClinVar (database versions not stated): ExAC 0.00003; gnomAD exomes 0.00006 and 0.00020; gnomAD 0.00007; TOPMed 0.00010; ESP Exome Variant Server 0.00023.
gnomAD v4.1: 304 of 1,614,012 alleles (0.019%); highest among the groups gnomAD compares: Non-Finnish European, 0.024%; no homozygotes.

Submissions (3):

Labcorp Genetics (formerly Invitae), Labcorp
Classification: Likely benign for Mowat-Wilson syndrome. Last evaluated: 2025-12-26. Review status: criteria provided, single submitter. Criteria: Invitae Variant Classification Sherloc (09022015). Collection method: clinical testing. Allele origin: germline.

GeneDx
Classification: Likely benign. Last evaluated: 2016-04-06. Review status: criteria provided, single submitter. Criteria: GeneDx Variant Classification (06012015). Collection method: clinical testing. Allele origin: germline. Affected: yes.
Comment: This variant is considered likely benign or benign based on one or more of the following criteria: it is a conservative change, it occurs at a poorly conserved position in the protein, it is predicted to be benign by multiple in silico algorithms, and/or has population frequency not consistent with disease.

Genetic Services Laboratory, University of Chicago
Classification: Likely benign. Last evaluated: 2016-03-30. Review status: criteria provided, single submitter. Criteria: ACMG Guidelines, 2015. Collection method: clinical testing. Allele origin: germline. Affected: no.

NM_014795.4(ZEB2):c.1638C>T (p.Asp546=)

Gene: ZEB2 (zinc finger E-box binding homeobox 2; minus strand). Cytogenetic location: 2q22.3.
Variant type: single nucleotide variant.
Coding change: c.1638C>T on transcript NM_014795.4 (MANE Select); coding-DNA position 1638, C replaced by T.
Protein change: p.Asp546=; no amino-acid change (aspartic acid 546 retained).
Molecular consequence: synonymous variant.
Genome position (GRCh38, 1-based): chr2:144,399,549, G>A on the plus strand (C>T on the coding strand, the complement: ZEB2 is on the minus strand). VCF-style: chr2-144399549-G-A. GRCh37 (hg19) VCF-style: chr2-145157116-G-A.
Other names: p.D546D:GAC>GAT; c.1566C>T, p.Asp522= (NM_001171653.2).
Identifiers: ClinVar variation 181712 (VCV000181712.16), dbSNP rs149035844, ClinGen allele CA208566.